The following is an entry in ClinVar:

NM_001386795.1(DTNA):c.1646+276C>T

Gene: DTNA (dystrobrevin alpha; plus strand). Cytogenetic location: 18q12.1.
Variant type: single nucleotide variant.
Coding change: c.1646+276C>T on transcript NM_001386795.1 (MANE Select); 276 bases into the intron after coding-DNA position 1646, C replaced by T.
Molecular consequence: intron variant.
Genome position (GRCh38, 1-based): chr18:34,858,674, C>T. VCF-style: chr18-34858674-C-T. GRCh37 (hg19) VCF-style: chr18-32438638-C-T.
Other names: c.1394+276C>T (NM_032975.4, NM_001386761.1, NM_032979.5); c.1391+276C>T (NM_001386762.1); c.1475+276C>T (NM_001386754.1, NM_001386755.1, NM_001386757.1 and 4 more transcripts); c.1472+276C>T (NM_001386760.1); c.1385+276C>T (NM_001386763.1, NM_001386764.1, NM_001386771.1 and 9 more transcripts); c.1382+276C>T (NM_001386768.1, NM_001386773.1, NM_001386769.1 and 1 more transcripts); c.815+276C>T (NM_001198945.2); c.1646+276C>T (NM_001386788.1); and 7 more.
Identifiers: ClinVar variation 4084953 (VCV004084953.8).

ClinVar aggregate classification (germline): Likely benign (1 of 4 stars; one submission).

gnomAD v4.1: 29 of 152,272 alleles (0.019%); highest among the groups gnomAD compares: Middle Eastern, 0.68%; no homozygotes.

Submission:

CeGaT Center for Human Genetics Tuebingen
Classification: Likely benign. Last evaluated: 2025-08-01. Review status: criteria provided, single submitter. Criteria: CeGaT Center For Human Genetics Tuebingen Variant Classification Criteria Version 2. Collection method: clinical testing. Allele origin: germline. Affected: yes. Observed: 1 variant allele.
Comment: DTNA: BS2